The following is an entry in ClinVar:

NM_152564.5(VPS13B):c.2016C>T (p.Asn672=)

Gene: VPS13B (vacuolar protein sorting 13 homolog B; plus strand). Cytogenetic location: 8q22.2.
Variant type: single nucleotide variant.
Coding change: c.2016C>T on transcript NM_152564.5 (MANE Select); coding-DNA position 2016, C replaced by T.
Protein change: p.Asn672=; no amino-acid change (asparagine 672 retained).
Molecular consequence: synonymous variant.
Genome position (GRCh38, 1-based): chr8:99,156,551, C>T. VCF-style: chr8-99156551-C-T. GRCh37 (hg19) VCF-style: chr8-100168779-C-T.
Other names: c.2016C>T, p.Asn672= (NM_015243.3, NM_017890.5); c.2016C>T (NM_152564.4).
Identifiers: ClinVar variation 1086396 (VCV001086396.10), dbSNP rs780448792, ClinGen allele CA4822815.

ClinVar aggregate classification (germline): Likely benign. Review status: criteria provided, single submitter (1 of 4 stars). 2 submissions from 2 submitters: Likely benign (1). 1 of the submissions does not count toward it. Last evaluated 2025-09-02.

Conditions:
Cohen syndrome (COH1). Also called: Cutis verticis gyrata, retinitis pigmentosa, and sensorineural deafness; PEPPER SYNDROME. Identifiers: Orphanet 193, MedGen C0265223, MONDO:0008999, OMIM 216550.
VPS13B-related disorder. Also called: VPS13B-related condition.

Allele frequency attached by ClinVar (database versions not stated): TOPMed 0.00002; ExAC 0.00003; gnomAD exomes 0.00003 and 0.00004.
gnomAD v4.1: 46 of 1,613,862 alleles (0.0029%); highest among the groups gnomAD compares: Non-Finnish European, 0.0037%; no homozygotes.

Submissions (2):

Labcorp Genetics (formerly Invitae), Labcorp
Classification: Likely benign for Cohen syndrome. Last evaluated: 2025-09-02. Review status: criteria provided, single submitter. Criteria: Invitae Variant Classification Sherloc (09022015). Collection method: clinical testing. Allele origin: germline.

PreventionGenetics, part of Exact Sciences
Classification: Likely benign for VPS13B-related condition. Last evaluated: 2023-04-26. Review status: no assertion criteria provided. Collection method: clinical testing. Allele origin: germline. Not counted in ClinVar's aggregate classification.
Comment: This variant is classified as likely benign based on ACMG/AMP sequence variant interpretation guidelines (Richards et al. 2015 PMID: 25741868, with internal and published modifications).